The following is an entry in ClinVar:

NM_033100.4(CDHR1):c.118G>A (p.Ala40Thr)

Gene: CDHR1 (cadherin related family member 1; plus strand). Cytogenetic location: 10q23.1.
Variant type: single nucleotide variant.
Coding change: c.118G>A on transcript NM_033100.4 (MANE Select); coding-DNA position 118, G replaced by A.
Protein change: p.Ala40Thr; replaces alanine 40 with threonine.
Molecular consequence: missense variant.
Genome position (GRCh38, 1-based): chr10:84,195,556, G>A. VCF-style: chr10-84195556-G-A. GRCh37 (hg19) VCF-style: chr10-85955312-G-A.
Other names: c.118G>A, p.Ala40Thr (NM_001171971.3); short protein forms A40T.
Identifiers: ClinVar variation 301208 (VCV000301208.18), dbSNP rs138182270, ClinGen allele CA5579410.

ClinVar aggregate classification (germline): Conflicting classifications of pathogenicity. Review status: criteria provided, conflicting classifications (1 of 4 stars). 4 submissions from 4 submitters: Uncertain significance (1); Benign (1); Likely benign (1). 1 of the submissions does not count toward it. Last evaluated 2025-10-27.

Conditions:
CDHR1-related disorder. Also called: CDHR1-related condition.
Cone-rod dystrophy 15 (CORD15). Identifiers: MedGen C3150912, MONDO:0013348, OMIM 613660.

Allele frequency attached by ClinVar (database versions not stated): 1000 Genomes Project 30x 0.00016; 1000 Genomes Project 0.00020; TOPMed 0.00033; ESP Exome Variant Server 0.00046; gnomAD 0.00130 and 0.00139; ExAC 0.00137.
gnomAD v4.1: 1,600 of 1,614,160 alleles (0.099%); highest among the groups gnomAD compares: Non-Finnish European, 0.058%; 7 homozygotes.

Submissions (4):

Labcorp Genetics (formerly Invitae), Labcorp
Classification: Benign. Last evaluated: 2025-10-27. Review status: criteria provided, single submitter. Criteria: Invitae Variant Classification Sherloc (09022015). Collection method: clinical testing. Allele origin: germline.

Blueprint Genetics
Classification: Likely benign. Last evaluated: 2024-11-25. Review status: criteria provided, single submitter. Criteria: ACMG Guidelines, 2015. Collection method: clinical testing. Allele origin: germline.

Illumina Laboratory Services, Illumina
Classification: Uncertain significance for Cone-rod dystrophy 15. Last evaluated: 2018-01-13. Review status: criteria provided, single submitter. Criteria: ICSL Variant Classification Criteria 13 December 2019. Collection method: clinical testing. Allele origin: germline.

PreventionGenetics, part of Exact Sciences
Classification: Benign for CDHR1-related condition. Last evaluated: 2024-09-24. Review status: no assertion criteria provided. Collection method: clinical testing. Allele origin: germline. Not counted in ClinVar's aggregate classification.
Comment: This variant is classified as benign based on ACMG/AMP sequence variant interpretation guidelines (Richards et al. 2015 PMID: 25741868, with internal and published modifications).